The following is an entry in ClinVar:

ClinVar aggregate classification (germline): Uncertain significance (1 of 4 stars; one submission).

Conditions:
Hereditary sensory and autonomic neuropathy type 7. Also called: Neuropathy, hereditary sensory and autonomic, type VII; HSAN VII. Identifiers: Orphanet 391397, MedGen C3809882, MONDO:0014244, OMIM 615548.
Familial episodic pain syndrome with predominantly lower limb involvement. Also called: Episodic pain syndrome, familial, 3. Identifiers: Orphanet 391384, Orphanet 391392, MedGen C3809899, MONDO:0014247, OMIM 615552.

Submission:

Labcorp Genetics (formerly Invitae), Labcorp
Classification: Uncertain significance for Familial episodic pain syndrome with predominantly lower limb involvement; Hereditary sensory and autonomic neuropathy type 7. Last evaluated: 2020-03-25. Review status: criteria provided, single submitter. Criteria: Invitae Variant Classification Sherloc (09022015). Collection method: clinical testing. Allele origin: germline.
Comment: In summary, the available evidence is currently insufficient to determine the role of this variant in disease. Therefore, it has been classified as a Variant of Uncertain Significance. Algorithms developed to predict the effect of missense changes on protein structure and function output the following: SIFT: "Deleterious"; PolyPhen-2: "Benign"; Align-GVGD: "Class C0". The leucine amino acid residue is found in multiple mammalian species, suggesting that this missense change does not adversely affect protein function. These predictions have not been confirmed by published functional studies and their clinical significance is uncertain. This variant has not been reported in the literature in individuals with SCN11A-related conditions. This variant is not present in population databases (ExAC no frequency). This sequence change replaces isoleucine with leucine at codon 1441 of the SCN11A protein (p.Ile1441Leu). The isoleucine residue is highly conserved and there is a small physicochemical difference between isoleucine and leucine.

NM_001349253.2(SCN11A):c.4321A>C (p.Ile1441Leu)

Gene: SCN11A (sodium voltage-gated channel alpha subunit 11; minus strand). Cytogenetic location: 3p22.2.
Variant type: single nucleotide variant.
Coding change: c.4321A>C on transcript NM_001349253.2 (MANE Select); coding-DNA position 4321, A replaced by C.
Protein change: p.Ile1441Leu; replaces isoleucine 1441 with leucine.
Molecular consequence: missense variant.
Genome position (GRCh38, 1-based): chr3:38,850,487, T>G on the plus strand (A>C on the coding strand, the complement: SCN11A is on the minus strand). VCF-style: chr3-38850487-T-G. GRCh37 (hg19) VCF-style: chr3-38891978-T-G.
Other names: c.4321A>C, p.Ile1441Leu (NM_014139.3); short protein forms I1441L.
Identifiers: ClinVar variation 1059351 (VCV001059351.5), dbSNP rs2126079371, ClinGen allele CA352165231.